The following is an entry in ClinVar:

ClinVar aggregate classification (germline): Uncertain significance. Review status: criteria provided, multiple submitters, no conflicts (2 of 4 stars). 2 submissions from 2 submitters: Uncertain significance (2). Last evaluated 2025-11-20.

Conditions:
Inborn genetic diseases. Identifiers: MedGen C0950123, MeSH D030342.

Allele frequency attached by ClinVar (database versions not stated): ExAC 0.00001; gnomAD 0.00003.
gnomAD v4.1: 53 of 1,613,274 alleles (0.0033%); highest among the groups gnomAD compares: Non-Finnish European, 0.0045%; no homozygotes.

Submissions (2):

Ambry Genetics
Classification: Uncertain significance for Inborn genetic diseases. Last evaluated: 2025-11-20. Review status: criteria provided, single submitter. Criteria: Ambry Variant Classification Scheme 2023. Collection method: clinical testing. Allele origin: germline.

Labcorp Genetics (formerly Invitae), Labcorp
Classification: Uncertain significance. Last evaluated: 2022-05-03. Review status: criteria provided, single submitter. Criteria: Invitae Variant Classification Sherloc (09022015). Collection method: clinical testing. Allele origin: germline.
Comment: In summary, the available evidence is currently insufficient to determine the role of this variant in disease. Therefore, it has been classified as a Variant of Uncertain Significance. Algorithms developed to predict the effect of missense changes on protein structure and function output the following: SIFT: "Tolerated"; PolyPhen-2: "Benign"; Align-GVGD: "Class C0". The lysine amino acid residue is found in multiple mammalian species, which suggests that this missense change does not adversely affect protein function. This variant has not been reported in the literature in individuals affected with PIGB-related conditions. This variant is present in population databases (rs757038412, gnomAD 0.006%). This sequence change replaces asparagine, which is neutral and polar, with lysine, which is basic and polar, at codon 482 of the PIGB protein (p.Asn482Lys).

NM_004855.5(PIGB):c.1446C>G (p.Asn482Lys)

Gene: PIGB (phosphatidylinositol glycan anchor biosynthesis class B; plus strand). Cytogenetic location: 15q21.3.
Variant type: single nucleotide variant.
Coding change: c.1446C>G on transcript NM_004855.5 (MANE Select); coding-DNA position 1446, C replaced by G.
Protein change: p.Asn482Lys; replaces asparagine 482 with lysine.
Molecular consequence: missense variant.
Genome position (GRCh38, 1-based): chr15:55,354,906, C>G. VCF-style: chr15-55354906-C-G. GRCh37 (hg19) VCF-style: chr15-55647104-C-G.
Other names: c.1446C>G (NM_004855.4); short protein forms N482K.
Identifiers: ClinVar variation 2415723 (VCV002415723.7), dbSNP rs757038412, ClinGen allele CA7574101.